The following is an entry in ClinVar:

ClinVar aggregate classification (germline): Uncertain significance (1 of 4 stars; one submission).

Conditions:
Autosomal recessive severe congenital neutropenia due to G6PC3 deficiency. Also called: G6PC3 Deficiency; NEUTROPENIA, SEVERE CONGENITAL, 4, AUTOSOMAL RECESSIVE. Identifiers: Orphanet 331176, MedGen C2751630, MONDO:0012930, OMIM 612541.

Submission:

Labcorp Genetics (formerly Invitae), Labcorp
Classification: Uncertain significance for Autosomal recessive severe congenital neutropenia due to G6PC3 deficiency. Last evaluated: 2022-09-06. Review status: criteria provided, single submitter. Criteria: Invitae Variant Classification Sherloc (09022015). Collection method: clinical testing. Allele origin: germline.
Comment: In summary, the available evidence is currently insufficient to determine the role of this variant in disease. Therefore, it has been classified as a Variant of Uncertain Significance. Algorithms developed to predict the effect of missense changes on protein structure and function (SIFT, PolyPhen-2, Align-GVGD) all suggest that this variant is likely to be tolerated. This variant has not been reported in the literature in individuals affected with G6PC3-related conditions. This variant is not present in population databases (gnomAD no frequency). This sequence change replaces proline, which is neutral and non-polar, with serine, which is neutral and polar, at codon 296 of the G6PC3 protein (p.Pro296Ser).

NM_138387.4(G6PC3):c.886C>T (p.Pro296Ser)

Gene: G6PC3 (glucose-6-phosphatase catalytic subunit 3; plus strand). Cytogenetic location: 17q21.31.
Variant type: single nucleotide variant.
Coding change: c.886C>T on transcript NM_138387.4 (MANE Select); coding-DNA position 886, C replaced by T.
Protein change: p.Pro296Ser; replaces proline 296 with serine.
Molecular consequence: missense variant. On other transcripts: 3 prime UTR variant (1).
Genome position (GRCh38, 1-based): chr17:44,075,888, C>T. VCF-style: chr17-44075888-C-T. GRCh37 (hg19) VCF-style: chr17-42153256-C-T.
Other names: c.*179C>T (NM_001319945.2); c.541C>T, p.Pro181Ser (NM_001384165.1, NM_001384166.1, NM_001384167.1 and 1 more transcripts); short protein forms P181S, P296S.
Identifiers: ClinVar variation 2057204 (VCV002057204.4), dbSNP rs2509372591, ClinGen allele CA399729518.